The following is an entry in ClinVar:

NM_014336.5(AIPL1):c.466-7G>A

Gene: AIPL1 (AIP like 1 HSP90 co-chaperone; minus strand). Cytogenetic location: 17p13.2.
Variant type: single nucleotide variant.
Coding change: c.466-7G>A on transcript NM_014336.5 (MANE Select); 7 bases into the intron before coding-DNA position 466, G replaced by A.
Molecular consequence: intron variant.
Genome position (GRCh38, 1-based): chr17:6,427,064, C>T on the plus strand (G>A on the coding strand, the complement: AIPL1 is on the minus strand). VCF-style: chr17-6427064-C-T. GRCh37 (hg19) VCF-style: chr17-6330384-C-T.
Other names: c.466-7G>A (NM_014336.4, NM_001285401.3); c.286-7G>A (NM_001033055.3); c.400-7G>A (NM_001285400.3); c.430-7G>A (NM_001285399.3); c.277-7G>A (NM_001033054.3); c.349-7G>A (NM_001285402.2); c.466-31G>A (NM_001285403.4).
Identifiers: ClinVar variation 1503186 (VCV001503186.6), dbSNP rs756948838, ClinGen allele CA8328488.
Genomic context (GRCh38, chr17:6,427,064, plus strand): 5'-CTCATGATTGCTCAGGTTCCAGGTCTCCCTCTGGTAATCACTCGGGGCATCAACCTGGCC[C>T]CAGAGCTGCAGGTCAGTGAGGCAGGGACCCCAGGGGCCTGCACCCCATCAGAGACCCGAA-3'

ClinVar aggregate classification (germline): Uncertain significance. Review status: criteria provided, multiple submitters, no conflicts (2 of 4 stars). 3 submissions from 3 submitters: Uncertain significance (2). 1 of the submissions does not count toward it. Last evaluated 2024-07-18.

Conditions:
Leber congenital amaurosis 4 (LCA4). Identifiers: MedGen C1858386, MONDO:0011458, OMIM 604393.
AIPL1-related disorder. Also called: AIPL1-related disorders; AIPL1-related condition. Identifiers: MedGen CN239169.

Allele frequency attached by ClinVar (database versions not stated): ExAC 0.00002; gnomAD 0.00003 and 0.00004; gnomAD exomes 0.00003; TOPMed 0.00005.

Submissions (3):

Blueprint Genetics
Classification: Uncertain significance. Last evaluated: 2024-07-18. Review status: criteria provided, single submitter. Criteria: ACMG Guidelines, 2015. Collection method: clinical testing. Allele origin: germline.

Labcorp Genetics (formerly Invitae), Labcorp
Classification: Uncertain significance for Leber congenital amaurosis 4. Last evaluated: 2022-10-04. Review status: criteria provided, single submitter. Criteria: Invitae Variant Classification Sherloc (09022015). Collection method: clinical testing. Allele origin: germline.
Comment: This sequence change falls in intron 3 of the AIPL1 gene. It does not directly change the encoded amino acid sequence of the AIPL1 protein. This variant is present in population databases (rs756948838, gnomAD 0.006%). This variant has not been reported in the literature in individuals affected with AIPL1-related conditions. ClinVar contains an entry for this variant (Variation ID: 1503186). Algorithms developed to predict the effect of sequence changes on RNA splicing suggest that this variant may disrupt the consensus splice site. In summary, the available evidence is currently insufficient to determine the role of this variant in disease. Therefore, it has been classified as a Variant of Uncertain Significance.

PreventionGenetics, part of Exact Sciences
Classification: Likely benign for AIPL1-related condition. Last evaluated: 2019-07-25. Review status: no assertion criteria provided. Collection method: clinical testing. Allele origin: germline. Not counted in ClinVar's aggregate classification.
Comment: This variant is classified as likely benign based on ACMG/AMP sequence variant interpretation guidelines (Richards et al. 2015 PMID: 25741868, with internal and published modifications).